The following is an entry in ClinVar:

ClinVar aggregate classification (germline): Uncertain significance. Review status: criteria provided, multiple submitters, no conflicts (2 of 4 stars). 4 submissions from 4 submitters: Uncertain significance (4). Last evaluated 2025-09-17.

Conditions:
Emery-Dreifuss muscular dystrophy 4, autosomal dominant (EDMD4). Also called: EMERY-DREIFUSS MUSCULAR DYSTROPHY 4 WITH VARIABLE FEATURES. Identifiers: Orphanet 261, MedGen C2751807, MONDO:0013071, OMIM 612998.
Autosomal recessive ataxia, Beauce type. Also called: SYNE1 Deficiency; Spinocerebellar ataxia, autosomal recessive 8; ATAXIA, RECESSIVE, OF BEAUCE; SYNE1-Related Autosomal Recessive Cerebellar Ataxia. Identifiers: Orphanet 88644, MedGen C1853116, MONDO:0012549, OMIM 610743.

Allele frequency attached by ClinVar (database versions not stated): ExAC 0.00003; gnomAD exomes 0.00004; ESP Exome Variant Server 0.00015.
gnomAD v4.1: 64 of 1,614,082 alleles (0.004%); highest among the groups gnomAD compares: African/African-American, 0.0067%; no homozygotes.

Submissions (4):

Athena Diagnostics
Classification: Uncertain significance. Last evaluated: 2025-09-17. Review status: criteria provided, single submitter. Criteria: Athena Diagnostics Criteria. Collection method: clinical testing. Allele origin: unknown.
Comment: Available data are insufficient to determine the clinical significance of the variant at this time. The frequency of this variant in the general population is uninformative in assessment of its pathogenicity. Polyphen and MutationTaster predict this amino acid change may be damaging to the protein.

GeneDx
Classification: Uncertain significance. Last evaluated: 2025-05-20. Review status: criteria provided, single submitter. Criteria: GeneDx Variant Classification Process June 2021. Collection method: clinical testing. Allele origin: germline. Affected: yes.
Comment: In silico analysis supports that this missense variant has a deleterious effect on protein structure/function; Has not been previously published as pathogenic or benign to our knowledge

Revvity Omics, Revvity
Classification: Uncertain significance. Last evaluated: 2024-05-31. Review status: criteria provided, single submitter. Criteria: ACMG Guidelines, 2015. Collection method: clinical testing. Allele origin: germline.

Labcorp Genetics (formerly Invitae), Labcorp
Classification: Uncertain significance for Emery-Dreifuss muscular dystrophy 4, autosomal dominant; Autosomal recessive ataxia, Beauce type. Last evaluated: 2023-12-14. Review status: criteria provided, single submitter. Criteria: Invitae Variant Classification Sherloc (09022015). Collection method: clinical testing. Allele origin: germline.
Comment: This sequence change replaces arginine, which is basic and polar, with histidine, which is basic and polar, at codon 4253 of the SYNE1 protein (p.Arg4253His). This variant is present in population databases (rs376805595, gnomAD 0.01%). This variant has not been reported in the literature in individuals affected with SYNE1-related conditions. ClinVar contains an entry for this variant (Variation ID: 2037844). An algorithm developed to predict the effect of missense changes on protein structure and function (PolyPhen-2) suggests that this variant is likely to be disruptive. In summary, the available evidence is currently insufficient to determine the role of this variant in disease. Therefore, it has been classified as a Variant of Uncertain Significance.

NM_182961.4(SYNE1):c.12971G>A (p.Arg4324His)

Gene: SYNE1 (spectrin repeat containing nuclear envelope protein 1; minus strand). Cytogenetic location: 6q25.2.
Variant type: single nucleotide variant.
Coding change: c.12971G>A on transcript NM_182961.4 (MANE Select); coding-DNA position 12971, G replaced by A.
Protein change: p.Arg4324His; replaces arginine 4324 with histidine.
Molecular consequence: missense variant.
Genome position (GRCh38, 1-based): chr6:152,331,714, C>T on the plus strand (G>A on the coding strand, the complement: SYNE1 is on the minus strand). VCF-style: chr6-152331714-C-T. GRCh37 (hg19) VCF-style: chr6-152652849-C-T.
Other names: c.12758G>A, p.Arg4253His (NM_033071.5); c.12971G>A (NM_182961.2); short protein forms R4324H, R4253H.
Identifiers: ClinVar variation 2037844 (VCV002037844.8), dbSNP rs376805595, ClinGen allele CA4056278.